The following is an entry in ClinVar:

NM_001035.3(RYR2):c.8911A>G (p.Ile2971Val)

Gene: RYR2 (ryanodine receptor 2; plus strand). Cytogenetic location: 1q43.
Variant type: single nucleotide variant.
Coding change: c.8911A>G on transcript NM_001035.3 (MANE Select); coding-DNA position 8911, A replaced by G.
Protein change: p.Ile2971Val; replaces isoleucine 2971 with valine.
Molecular consequence: missense variant.
Genome position (GRCh38, 1-based): chr1:237,680,471, A>G. VCF-style: chr1-237680471-A-G. GRCh37 (hg19) VCF-style: chr1-237843771-A-G.
Other names: short protein forms I2971V.
Identifiers: ClinVar variation 860984 (VCV000860984.11), dbSNP rs1685776923, ClinGen allele CA345404285.

ClinVar aggregate classification (germline): Uncertain significance (1 of 4 stars; one submission).

Conditions:
Catecholaminergic polymorphic ventricular tachycardia 1. Also called: VENTRICULAR TACHYCARDIA, CATECHOLAMINERGIC POLYMORPHIC, 1, WITH OR WITHOUT ATRIAL DYSFUNCTION AND/OR DILATED CARDIOMYOPATHY; VENTRICULAR TACHYCARDIA, STRESS-INDUCED POLYMORPHIC 1; RYR2-Related Catecholaminergic Polymorphic Ventricular Tachycardia. Identifiers: Orphanet 3286, MedGen C1631597, MONDO:0011484, OMIM 604772.

Submission:

Labcorp Genetics (formerly Invitae), Labcorp
Classification: Uncertain significance for Catecholaminergic polymorphic ventricular tachycardia 1. Last evaluated: 2021-07-20. Review status: criteria provided, single submitter. Criteria: Invitae Variant Classification Sherloc (09022015). Collection method: clinical testing. Allele origin: germline.
Comment: In summary, the available evidence is currently insufficient to determine the role of this variant in disease. Therefore, it has been classified as a Variant of Uncertain Significance. Algorithms developed to predict the effect of sequence changes on RNA splicing suggest that this variant may create or strengthen a splice site, but this prediction has not been confirmed by published transcriptional studies. Algorithms developed to predict the effect of missense changes on protein structure and function are either unavailable or do not agree on the potential impact of this missense change (SIFT: "Deleterious"; PolyPhen-2: "Benign"; Align-GVGD: "Class C25"). This variant has not been reported in the literature in individuals with RYR2-related conditions. This variant is not present in population databases (ExAC no frequency). This sequence change replaces isoleucine with valine at codon 2971 of the RYR2 protein (p.Ile2971Val). The isoleucine residue is highly conserved and there is a small physicochemical difference between isoleucine and valine.